The following is an entry in ClinVar:

NM_004364.5(CEBPA):c.914A>G (p.Gln305Arg)

Gene: CEBPA (CCAAT enhancer binding protein alpha; minus strand). Cytogenetic location: 19q13.11.
Variant type: single nucleotide variant.
Coding change: c.914A>G on transcript NM_004364.5 (MANE Select); coding-DNA position 914, A replaced by G.
Protein change: p.Gln305Arg; replaces glutamine 305 with arginine.
Molecular consequence: missense variant.
Genome position (GRCh38, 1-based): chr19:33,301,501, T>C on the plus strand (A>G on the coding strand, the complement: CEBPA is on the minus strand). VCF-style: chr19-33301501-T-C. GRCh37 (hg19) VCF-style: chr19-33792407-T-C.
Other names: c.914A>G (NM_004364.3); c.557A>G, p.Gln186Arg (NM_001285829.2); c.1019A>G, p.Gln340Arg (NM_001287424.2); c.872A>G, p.Gln291Arg (NM_001287435.2); short protein forms Q305R, Q291R, Q186R, Q340R.
Identifiers: ClinVar variation 568487 (VCV000568487.15), dbSNP rs1479225242, ClinGen allele CA405273936.

ClinVar aggregate classification (germline): Uncertain significance. Review status: criteria provided, multiple submitters, no conflicts (2 of 4 stars). 3 submissions from 3 submitters: Uncertain significance (3). Last evaluated 2025-07-31.

Conditions:
Inborn genetic diseases. Identifiers: MedGen C0950123, MeSH D030342.
Acute myeloid leukemia (AML). Also called: Leukemia, acute myeloid, somatic; Leukemia, acute myelogenous, somatic; Acute myeloid leukemia, adult; AML adult; Acute non-lymphocytic leukemia; Acute granulocytic leukemia. Identifiers: Orphanet 519, MedGen C0023467, MeSH D015470, MONDO:0018874, OMIM 601626, HP:0004808. Disease mechanism: Constitutively activated FLT3.

Submissions (3):

Labcorp Genetics (formerly Invitae), Labcorp
Classification: Uncertain significance for Acute myeloid leukemia. Last evaluated: 2025-07-31. Review status: criteria provided, single submitter. Criteria: Invitae Variant Classification Sherloc (09022015). Collection method: clinical testing. Allele origin: germline.
Comment: This sequence change replaces glutamine, which is neutral and polar, with arginine, which is basic and polar, at codon 305 of the CEBPA protein (p.Gln305Arg). This variant is not present in population databases (gnomAD no frequency). This variant has not been reported in the literature in individuals affected with CEBPA-related conditions. ClinVar contains an entry for this variant (Variation ID: 568487). Invitae Evidence Modeling of protein sequence and biophysical properties (such as structural, functional, and spatial information, amino acid conservation, physicochemical variation, residue mobility, and thermodynamic stability) indicates that this missense variant is not expected to disrupt CEBPA protein function with a negative predictive value of 80%. In summary, the available evidence is currently insufficient to determine the role of this variant in disease. Therefore, it has been classified as a Variant of Uncertain Significance.

Ambry Genetics
Classification: Uncertain significance for Inborn genetic diseases. Last evaluated: 2024-11-18. Review status: criteria provided, single submitter. Criteria: Ambry Variant Classification Scheme 2023. Collection method: clinical testing. Allele origin: germline.
Comment: The p.Q305R variant (also known as c.914A>G), located in coding exon 1 of the CEBPA gene, results from an A to G substitution at nucleotide position 914. The glutamine at codon 305 is replaced by arginine, an amino acid with highly similar properties. This amino acid position is conserved. In addition, this alteration is predicted to be tolerated by in silico analysis. Based on the available evidence, the clinical significance of this variant remains unclear.

Baylor Genetics
Classification: Uncertain significance for Acute myeloid leukemia. Last evaluated: 2023-07-14. Review status: criteria provided, single submitter. Criteria: ACMG Guidelines, 2015. Collection method: clinical testing. Allele origin: unknown.